The following is an entry in ClinVar:

NM_012470.4(TNPO3):c.2185T>G (p.Cys729Gly)

Gene: TNPO3 (transportin 3; minus strand). Cytogenetic location: 7q32.1.
Variant type: single nucleotide variant.
Coding change: c.2185T>G on transcript NM_012470.4 (MANE Select); coding-DNA position 2185, T replaced by G.
Protein change: p.Cys729Gly; replaces cysteine 729 with glycine.
Molecular consequence: missense variant. On other transcripts: non-coding transcript variant (18).
Genome position (GRCh38, 1-based): chr7:128,974,956, A>C on the plus strand (T>G on the coding strand, the complement: TNPO3 is on the minus strand). VCF-style: chr7-128974956-A-C. GRCh37 (hg19) VCF-style: chr7-128615010-A-C.
Other names: p.Cys729Gly; c.1993T>G, p.Cys665Gly (NM_001191028.3, NM_001382223.1); c.2287T>G, p.Cys763Gly (NM_001382216.1); c.2266T>G, p.Cys756Gly (NM_001382217.1); c.2185T>G, p.Cys729Gly (NM_001382218.1); c.2077T>G, p.Cys693Gly (NM_001382219.1); c.2044T>G, p.Cys682Gly (NM_001382220.1); c.2041T>G, p.Cys681Gly (NM_001382221.1); and 2 more; short protein forms C665G, C681G, C729G, C756G, C680G, C693G, C763G, C682G.
Identifiers: ClinVar variation 1435561 (VCV001435561.9), dbSNP rs781724504, ClinGen allele CA4477937.

ClinVar aggregate classification (germline): Uncertain significance. Review status: criteria provided, multiple submitters, no conflicts (2 of 4 stars). 3 submissions from 3 submitters: Uncertain significance (3). Last evaluated 2025-11-01.

Conditions:
Autosomal dominant limb-girdle muscular dystrophy type 1F (LGMDD2). Also called: Limb-girdle muscular dystrophy, type 1F; MUSCULAR DYSTROPHY, LIMB-GIRDLE, AUTOSOMAL DOMINANT 2. Identifiers: Orphanet 55595, MedGen C1842062, MONDO:0012034, OMIM 608423.

Allele frequency attached by ClinVar (database versions not stated): gnomAD exomes below 0.00001 and 0.00003; ExAC 0.00001; gnomAD 0.00001; TOPMed 0.00002.
gnomAD v4.1: 42 of 1,613,822 alleles (0.0026%); highest among the groups gnomAD compares: Non-Finnish European, 0.0036%; no homozygotes.

Submissions (3):

Labcorp Genetics (formerly Invitae), Labcorp
Classification: Uncertain significance for Autosomal dominant limb-girdle muscular dystrophy type 1F. Last evaluated: 2025-11-01. Review status: criteria provided, single submitter. Criteria: Invitae Variant Classification Sherloc (09022015). Collection method: clinical testing. Allele origin: germline.
Comment: This sequence change replaces cysteine, which is neutral and slightly polar, with glycine, which is neutral and non-polar, at codon 729 of the TNPO3 protein (p.Cys729Gly). This variant is present in population databases (rs781724504, gnomAD 0.0009%). This variant has not been reported in the literature in individuals affected with TNPO3-related conditions. ClinVar contains an entry for this variant (Variation ID: 1435561). Invitae Evidence Modeling of protein sequence and biophysical properties (such as structural, functional, and spatial information, amino acid conservation, physicochemical variation, residue mobility, and thermodynamic stability) indicates that this missense variant is not expected to disrupt TNPO3 protein function with a negative predictive value of 80%. In summary, the available evidence is currently insufficient to determine the role of this variant in disease. Therefore, it has been classified as a Variant of Uncertain Significance.

Mayo Clinic Laboratories, Mayo Clinic
Classification: Uncertain significance. Last evaluated: 2025-08-28. Review status: criteria provided, single submitter. Criteria: ACMG Guidelines, 2015. Collection method: clinical testing. Allele origin: germline. Observed: 1 variant allele.
Comment: PM2_supporting

Revvity Omics, Revvity
Classification: Uncertain significance for Autosomal dominant limb-girdle muscular dystrophy type 1F. Last evaluated: 2019-05-20. Review status: criteria provided, single submitter. Criteria: ACMG Guidelines, 2015. Collection method: clinical testing. Allele origin: germline.